The following is an entry in ClinVar:

NM_138711.6(PPARG):c.390+7A>T

Gene: PPARG (peroxisome proliferator activated receptor gamma; plus strand). Cytogenetic location: 3p25.2.
Variant type: single nucleotide variant.
Coding change: c.390+7A>T on transcript NM_138711.6 (MANE Select); 7 bases into the intron after coding-DNA position 390, A replaced by T.
Molecular consequence: intron variant.
Genome position (GRCh38, 1-based): chr3:12,381,498, A>T. VCF-style: chr3-12381498-A-T. GRCh37 (hg19) VCF-style: chr3-12422997-A-T.
Other names: c.390+7A>T (NM_001354666.3, NM_138712.5, NM_005037.7 and 6 more transcripts); c.-38+7A>T (NM_001354669.2); c.396+7A>T (NM_001374266.1, NM_001354670.2); c.480+7A>T (NM_015869.5, NM_001374265.1, NM_001354668.2).
Identifiers: ClinVar variation 757507 (VCV000757507.8), dbSNP rs752761839, ClinGen allele CA2258164.

ClinVar aggregate classification (germline): Likely benign. Review status: criteria provided, single submitter (1 of 4 stars). 2 submissions from 2 submitters: Likely benign (1). 1 of the submissions does not count toward it. Last evaluated 2026-01-25.

Conditions:
PPARG-related disorder. Also called: PPARG-related disorders; PPARG-related condition.

Allele frequency attached by ClinVar (database versions not stated): gnomAD exomes 0.00002 and 0.00006; gnomAD 0.00005; TOPMed 0.00007; ExAC 0.00008.
gnomAD v4.1: 42 of 1,567,420 alleles (0.0027%); highest among the groups gnomAD compares: Admixed American, 0.021%; no homozygotes.

Submissions (2):

Labcorp Genetics (formerly Invitae), Labcorp
Classification: Likely benign. Last evaluated: 2026-01-25. Review status: criteria provided, single submitter. Criteria: Invitae Variant Classification Sherloc (09022015). Collection method: clinical testing. Allele origin: germline.

PreventionGenetics, part of Exact Sciences
Classification: Likely benign for PPARG-related condition. Last evaluated: 2021-07-19. Review status: no assertion criteria provided. Collection method: clinical testing. Allele origin: germline. Not counted in ClinVar's aggregate classification.
Comment: This variant is classified as likely benign based on ACMG/AMP sequence variant interpretation guidelines (Richards et al. 2015 PMID: 25741868, with internal and published modifications).